The following is an entry in ClinVar:

ClinVar aggregate classification (germline): Pathogenic (1 of 4 stars; one submission).

Conditions:
Arrhythmogenic right ventricular dysplasia 9 (ARVD9). Also called: Arrhythmogenic Right Ventricular Dysplasia/Cardiomyopathy 9; ARRHYTHMOGENIC RIGHT VENTRICULAR DYSPLASIA, FAMILIAL, 9. Identifiers: MedGen C1836906, MONDO:0012180, OMIM 609040.

Submission:

Labcorp Genetics (formerly Invitae), Labcorp
Classification: Pathogenic for Arrhythmogenic right ventricular dysplasia 9. Last evaluated: 2021-04-14. Review status: criteria provided, single submitter. Criteria: Invitae Variant Classification Sherloc (09022015). Collection method: clinical testing. Allele origin: germline.
Comment: This sequence change creates a premature translational stop signal (p.Met110Ilefs*11) in the PKP2 gene. It is expected to result in an absent or disrupted protein product. Loss-of-function variants in PKP2 are known to be pathogenic (PMID: 15489853, 23911551). This variant is not present in population databases (ExAC no frequency). This variant has not been reported in the literature in individuals with PKP2-related conditions. For these reasons, this variant has been classified as Pathogenic.

Literature cited by the submitters: PubMed 15489853; PubMed 23911551.

NM_001005242.3(PKP2):c.329dup (p.Met110fs)

Gene: PKP2 (plakophilin 2; minus strand). Cytogenetic location: 12p11.21.
Variant type: Duplication.
Coding change: c.329dup on transcript NM_001005242.3 (MANE Select); coding-DNA position 329, one base duplicated (T; older notation c.329dupT).
Protein change: p.Met110fs; shifts the reading frame from methionine 110.
Molecular consequence: frameshift variant.
Genome position (GRCh38, 1-based): chr12:32,878,927, A duplicated on the plus strand (T on the coding strand, the reverse complement: PKP2 is on the minus strand). VCF-style (leftmost placement, unchanged base first): chr12-32878926-C-CA. GRCh37 (hg19) VCF-style: chr12-33031860-C-CA.
Other names: c.329dup, p.Met110fs (NM_004572.4); short protein forms M110fs.
Identifiers: ClinVar variation 1358209 (VCV001358209.1), dbSNP rs2137952495, ClinGen allele CA2573148527.